The following is an entry in ClinVar:

NM_000393.5(COL5A2):c.743T>C (p.Met248Thr)

Gene: COL5A2 (collagen type V alpha 2 chain; minus strand). Cytogenetic location: 2q32.2.
Variant type: single nucleotide variant.
Coding change: c.743T>C on transcript NM_000393.5 (MANE Select); coding-DNA position 743, T replaced by C.
Protein change: p.Met248Thr; replaces methionine 248 with threonine.
Molecular consequence: missense variant.
Genome position (GRCh38, 1-based): chr2:189,085,720, A>G on the plus strand (T>C on the coding strand, the complement: COL5A2 is on the minus strand). VCF-style: chr2-189085720-A-G. GRCh37 (hg19) VCF-style: chr2-189950446-A-G.
Other names: short protein forms M248T.
Identifiers: ClinVar variation 848491 (VCV000848491.11), dbSNP rs1686643340, ClinGen allele CA349858529.

ClinVar aggregate classification (germline): Uncertain significance (1 of 4 stars; one submission).

Conditions:
Ehlers-Danlos syndrome, classic type, 1 (EDSCL1). Also called: Ehlers-Danlos syndrome, type 1; Ehlers-Danlos Syndrome, Classic Type, COL5A1-Related; EDS I; EHLERS-DANLOS SYNDROME, GRAVIS TYPE; EHLERS-DANLOS SYNDROME, SEVERE CLASSIC TYPE. Identifiers: MedGen C0268335, MONDO:0019567, OMIM 130000.

Allele frequency attached by ClinVar (database versions not stated): gnomAD exomes below 0.00001.
gnomAD v4.1: 1 of 1,612,988 alleles (0.000062%); highest among the groups gnomAD compares: Non-Finnish European, 0.000085%; no homozygotes.

Submission:

Labcorp Genetics (formerly Invitae), Labcorp
Classification: Uncertain significance for Ehlers-Danlos syndrome, classic type, 1. Last evaluated: 2022-07-05. Review status: criteria provided, single submitter. Criteria: Invitae Variant Classification Sherloc (09022015). Collection method: clinical testing. Allele origin: germline.
Comment: In summary, the available evidence is currently insufficient to determine the role of this variant in disease. Therefore, it has been classified as a Variant of Uncertain Significance. Algorithms developed to predict the effect of missense changes on protein structure and function (SIFT, PolyPhen-2, Align-GVGD) all suggest that this variant is likely to be disruptive. ClinVar contains an entry for this variant (Variation ID: 848491). This variant has not been reported in the literature in individuals affected with COL5A2-related conditions. This variant is not present in population databases (gnomAD no frequency). This sequence change replaces methionine, which is neutral and non-polar, with threonine, which is neutral and polar, at codon 248 of the COL5A2 protein (p.Met248Thr).